The following is an entry in ClinVar:

ClinVar aggregate classification (germline): Uncertain significance. Review status: criteria provided, multiple submitters, no conflicts (2 of 4 stars). 2 submissions from 2 submitters: Uncertain significance (2). Last evaluated 2025-03-18.

Conditions:
Inborn genetic diseases. Identifiers: MedGen C0950123, MeSH D030342.

Allele frequency attached by ClinVar (database versions not stated): gnomAD exomes 0.00001; ExAC 0.00001.
gnomAD v4.1: 15 of 1,598,848 alleles (0.00094%); highest among the groups gnomAD compares: Admixed American, 0.005%; no homozygotes.

Submissions (2):

Labcorp Genetics (formerly Invitae), Labcorp
Classification: Uncertain significance. Last evaluated: 2025-03-18. Review status: criteria provided, single submitter. Criteria: Invitae Variant Classification Sherloc (09022015). Collection method: clinical testing. Allele origin: germline.
Comment: This sequence change replaces arginine, which is basic and polar, with cysteine, which is neutral and slightly polar, at codon 395 of the AHDC1 protein (p.Arg395Cys). The frequency data for this variant in the population databases is considered unreliable, as metrics indicate poor data quality at this position in the gnomAD database. This variant has not been reported in the literature in individuals affected with AHDC1-related conditions. ClinVar contains an entry for this variant (Variation ID: 3011937). An algorithm developed to predict the effect of missense changes on protein structure and function (PolyPhen-2) suggests that this variant is likely to be disruptive. In summary, the available evidence is currently insufficient to determine the role of this variant in disease. Therefore, it has been classified as a Variant of Uncertain Significance.

Ambry Genetics
Classification: Uncertain significance for Inborn genetic diseases. Last evaluated: 2023-09-21. Review status: criteria provided, single submitter. Criteria: Ambry Variant Classification Scheme 2023. Collection method: clinical testing. Allele origin: germline.

NM_001371928.1(AHDC1):c.1183C>T (p.Arg395Cys)

Gene: AHDC1 (AT-hook DNA binding motif containing 1; minus strand). Cytogenetic location: 1p36.11.
Variant type: single nucleotide variant.
Coding change: c.1183C>T on transcript NM_001371928.1 (MANE Select); coding-DNA position 1183, C replaced by T.
Protein change: p.Arg395Cys; replaces arginine 395 with cysteine.
Molecular consequence: missense variant.
Genome position (GRCh38, 1-based): chr1:27,550,933, G>A on the plus strand (C>T on the coding strand, the complement: AHDC1 is on the minus strand). VCF-style: chr1-27550933-G-A. GRCh37 (hg19) VCF-style: chr1-27877444-G-A.
Other names: c.1183C>T, p.Arg395Cys (NM_001029882.3); c.1183C>T (NM_001029882.2); short protein forms R395C.
Identifiers: ClinVar variation 3011937 (VCV003011937.4), dbSNP rs753110793, ClinGen allele CA716001.